The following is an entry in ClinVar:

NM_001099271.2(POC5):c.745A>T (p.Met249Leu)

Gene: POC5 (POC5 centriolar protein; minus strand). Cytogenetic location: 5q13.3.
Variant type: single nucleotide variant.
Coding change: c.745A>T on transcript NM_001099271.2 (MANE Select); coding-DNA position 745, A replaced by T.
Protein change: p.Met249Leu; replaces methionine 249 with leucine.
Molecular consequence: missense variant.
Genome position (GRCh38, 1-based): chr5:75,692,446, T>A on the plus strand (A>T on the coding strand, the complement: POC5 is on the minus strand). VCF-style: chr5-75692446-T-A. GRCh37 (hg19) VCF-style: chr5-74988271-T-A.
Other names: c.670A>T, p.Met224Leu (NM_152408.3); short protein forms M224L, M249L.
Identifiers: ClinVar variation 2711873 (VCV002711873.3), dbSNP rs1455559146, ClinGen allele CA360147273.

ClinVar aggregate classification (germline): Uncertain significance (1 of 4 stars; one submission).

Submission:

Labcorp Genetics (formerly Invitae), Labcorp
Classification: Uncertain significance. Last evaluated: 2023-10-05. Review status: criteria provided, single submitter. Criteria: Invitae Variant Classification Sherloc (09022015). Collection method: clinical testing. Allele origin: germline.
Comment: This sequence change replaces methionine, which is neutral and non-polar, with leucine, which is neutral and non-polar, at codon 249 of the POC5 protein (p.Met249Leu). This variant is present in population databases (no rsID available, gnomAD 0.0009%). This variant has not been reported in the literature in individuals affected with POC5-related conditions. Algorithms developed to predict the effect of missense changes on protein structure and function output the following: SIFT: "Not Available"; PolyPhen-2: "Possibly Damaging"; Align-GVGD: "Not Available". The leucine amino acid residue is found in multiple mammalian species, which suggests that this missense change does not adversely affect protein function. In summary, the available evidence is currently insufficient to determine the role of this variant in disease. Therefore, it has been classified as a Variant of Uncertain Significance.